The following is an entry in ClinVar:

NM_021957.4(GYS2):c.303+19C>T

Gene: GYS2 (glycogen synthase 2; minus strand). Cytogenetic location: 12p12.1.
Variant type: single nucleotide variant.
Coding change: c.303+19C>T on transcript NM_021957.4 (MANE Select); 19 bases into the intron after coding-DNA position 303, C replaced by T.
Molecular consequence: intron variant.
Genome position (GRCh38, 1-based): chr12:21,580,323, G>A on the plus strand (C>T on the coding strand, the complement: GYS2 is on the minus strand). VCF-style: chr12-21580323-G-A. GRCh37 (hg19) VCF-style: chr12-21733257-G-A.
Identifiers: ClinVar variation 385449 (VCV000385449.1), dbSNP rs1057522225, ClinGen allele CA16606231.

ClinVar aggregate classification (germline): Likely benign (1 of 4 stars; one submission).

Allele frequency attached by ClinVar (database versions not stated): gnomAD exomes below 0.00001.
gnomAD v4.1: 5 of 1,600,750 alleles (0.00031%); highest among the groups gnomAD compares: Non-Finnish European, 0.00043%; no homozygotes.

Submission:

GeneDx
Classification: Likely benign. Last evaluated: 2016-04-19. Review status: criteria provided, single submitter. Criteria: GeneDx Variant Classification (06012015). Collection method: clinical testing. Allele origin: germline. Affected: yes.
Comment: This variant is considered likely benign or benign based on one or more of the following criteria: it is a conservative change, it occurs at a poorly conserved position in the protein, it is predicted to be benign by multiple in silico algorithms, and/or has population frequency not consistent with disease.